The following is an entry in ClinVar:

ClinVar aggregate classification (germline): Pathogenic/Likely pathogenic. Review status: criteria provided, multiple submitters, no conflicts (2 of 4 stars). 3 submissions from 3 submitters: Pathogenic (2); Likely pathogenic (1). Last evaluated 2026-06-04.

Conditions:
GNPTG-mucolipidosis. Also called: ML III GAMMA; ML IIIC; Mucolipidosis type III gamma; MUCOLIPIDOSIS III, COMPLEMENTATION GROUP C; MUCOLIPIDOSIS III, IRANIAN VARIANT FORM; MUCOLIPIDOSIS III, VARIANT FORM. Identifiers: Orphanet 423470, Orphanet 577, MedGen C1854896, MONDO:0009652, OMIM 252605.

Submissions (3):

Myriad Genetics, Inc.
Classification: Pathogenic for GNPTG-mucolipidosis. Last evaluated: 2026-06-04. Review status: criteria provided, single submitter. Criteria: Myriad Autosomal Dominant, Autosomal Recessive and X-Linked Classification Criteria (2023). Collection method: clinical testing. Allele origin: unknown.
Comment: NM_032520.4(GNPTG):c.750_753delAGAA(K250Nfs*9) is a frameshift variant classified as pathogenic in the context of mucolipidosis III gamma. K250Nfs*9 has not been observed in cases with relevant disease. Relevant functional assessments of this variant are not available in the literature. K250Nfs*9 has been observed in referenced population frequency databases. In summary, NM_032520.4(GNPTG):c.750_753delAGAA(K250Nfs*9) is a frameshift variant in a gene where loss of function is a known mechanism of disease and is predicted to disrupt protein function. Please note: this variant was assessed in the context of healthy population screening.

Natera, Inc.
Classification: Likely pathogenic for Mucolipidosis III gamma. Last evaluated: 2024-09-06. Review status: criteria provided, single submitter. Criteria: Natera Variant Classification Schema (03/2026). Collection method: clinical testing. Allele origin: germline.
Comment: The c.750_753delAGAA variant in GNPTG is a frameshift variant predicted to shift the reading frame beginning at codon 250 and leads to a stop codon 9 codons downstream. This variant may result in a truncated or dysfunctional protein product. This variant is rare in the general population with a frequency below the threshold expected for the associated phenotype(s). Given the available evidence, this variant is classified as Likely Pathogenic.

Labcorp Genetics (formerly Invitae), Labcorp
Classification: Pathogenic. Last evaluated: 2024-02-19. Review status: criteria provided, single submitter. Criteria: Invitae Variant Classification Sherloc (09022015). Collection method: clinical testing. Allele origin: germline.
Comment: This sequence change creates a premature translational stop signal (p.Lys250Asnfs*9) in the GNPTG gene. It is expected to result in an absent or disrupted protein product. Loss-of-function variants in GNPTG are known to be pathogenic (PMID: 19370764, 20301784). This variant is present in population databases (rs766055577, gnomAD 0.002%). This variant has not been reported in the literature in individuals affected with GNPTG-related conditions. ClinVar contains an entry for this variant (Variation ID: 1072459). Algorithms developed to predict the effect of sequence changes on RNA splicing suggest that this variant may disrupt the consensus splice site. For these reasons, this variant has been classified as Pathogenic.

Literature cited by the submitters: PubMed 19370764 (cited by Labcorp Genetics (formerly Invitae), Labcorp); PubMed 20301784 (cited by Labcorp Genetics (formerly Invitae), Labcorp).

NM_032520.5(GNPTG):c.750_753del (p.Lys250fs)

Gene: GNPTG (N-acetylglucosamine-1-phosphate transferase subunit gamma; plus strand). Cytogenetic location: 16p13.3.
Variant type: Deletion.
Coding change: c.750_753del on transcript NM_032520.5 (MANE Select); coding-DNA positions 750 to 753, 4 bases deleted (AGAA; older notation c.750_753delAGAA).
Protein change: p.Lys250fs; shifts the reading frame from lysine 250.
Molecular consequence: frameshift variant.
Genome position (GRCh38, 1-based): chr16:1,362,833-1,362,836, AGAA deleted; deleting any 4 consecutive bases within chr16:1,362,831-1,362,836 gives the same sequence; the c. name uses the placement nearest the transcript's 3' end. VCF-style (leftmost placement, unchanged base first): chr16-1362830-TAAAG-T. GRCh37 (hg19) VCF-style: chr16-1412831-TAAAG-T.
Other names: c.750_753delAGAA (NM_032520.4); short protein forms K250fs.
Identifiers: ClinVar variation 1072459 (VCV001072459.10), dbSNP rs766055577, ClinGen allele CA7807937.